The following is an entry in ClinVar:

ClinVar aggregate classification (germline): Likely benign. Review status: criteria provided, multiple submitters, no conflicts (2 of 4 stars). 2 submissions from 2 submitters: Likely benign (2). Last evaluated 2025-07-01.

Allele frequency attached by ClinVar (database versions not stated): 1000 Genomes Project 30x 0.00016; 1000 Genomes Project 0.00020; TOPMed 0.00022; ESP Exome Variant Server 0.00023; gnomAD exomes 0.00023 and 0.00040; ExAC 0.00029; gnomAD 0.00035.
gnomAD v4.1: 617 of 1,613,684 alleles (0.038%); highest among the groups gnomAD compares: Non-Finnish European, 0.047%; 2 homozygotes.

Submissions (2):

CeGaT Center for Human Genetics Tuebingen
Classification: Likely benign. Last evaluated: 2025-07-01. Review status: criteria provided, single submitter. Criteria: CeGaT Center For Human Genetics Tuebingen Variant Classification Criteria Version 2. Collection method: clinical testing. Allele origin: germline. Affected: yes. Observed: 2 variant alleles.
Comment: SNX14: BP4, BP7

Labcorp Genetics (formerly Invitae), Labcorp
Classification: Likely benign. Last evaluated: 2024-10-30. Review status: criteria provided, single submitter. Criteria: Invitae Variant Classification Sherloc (09022015). Collection method: clinical testing. Allele origin: germline.

NM_153816.6(SNX14):c.9C>T (p.Pro3=)

Gene: SNX14 (sorting nexin 14; minus strand). Cytogenetic location: 6q14.3.
Variant type: single nucleotide variant.
Coding change: c.9C>T on transcript NM_153816.6 (MANE Select); coding-DNA position 9, C replaced by T.
Protein change: p.Pro3=; no amino-acid change (proline 3 retained).
Molecular consequence: synonymous variant. On other transcripts: 5 prime UTR variant (5), non-coding transcript variant (4), intron variant (9).
Genome position (GRCh38, 1-based): chr6:85,593,710, G>A on the plus strand (C>T on the coding strand, the complement: SNX14 is on the minus strand). VCF-style: chr6-85593710-G-A. GRCh37 (hg19) VCF-style: chr6-86303428-G-A.
Other names: c.9C>T, p.Pro3= (NM_001297614.3, NM_001350532.2, NM_001350533.2 and 8 more transcripts); c.-392C>T (NM_001350545.2); c.-1011C>T (NM_001350548.2); c.-1143C>T (NM_001350550.2); c.-1058C>T (NM_001350551.2); c.-1175C>T (NM_001350552.2); c.-17+124C>T (NM_001350543.2, NM_001350539.2, NM_001350542.2 and 2 more transcripts); c.-261+124C>T (NM_001350546.2); and 2 more.
Identifiers: ClinVar variation 711034 (VCV000711034.35), dbSNP rs140849299, ClinGen allele CA3912580.